The following is an entry in ClinVar:

NM_000136.3(FANCC):c.822C>A (p.Cys274Ter)

Genes: AOPEP (aminopeptidase O (putative); plus strand), FANCC (FA complementation group C; minus strand). Cytogenetic location: 9q22.32.
Variant type: single nucleotide variant.
Coding change: c.822C>A on transcript NM_000136.3 (MANE Select); coding-DNA position 822, C replaced by A.
Protein change: p.Cys274Ter; replaces cysteine 274 with a stop codon.
Molecular consequence: nonsense.
Genome position (GRCh38, 1-based): chr9:95,135,367, G>T on the plus strand (C>A on the coding strand, the complement: FANCC is on the minus strand). VCF-style: chr9-95135367-G-T. GRCh37 (hg19) VCF-style: chr9-97897649-G-T.
Other names: c.822C>A, p.Cys274Ter (NM_001243743.2, NM_001243744.2); short protein forms C274*.
Identifiers: ClinVar variation 1724060 (VCV001724060.2), dbSNP rs2541398976, ClinGen allele CA374109213.
Genomic context (GRCh38, chr9:95,135,367, plus strand): 5'-CTTCAAGGATTTTTCCCTTCATCAAAACCCAGTACGTACCAGCGATGAATCTTTTATAAA[G>T]CATTCGATCCTTCTCAGACAATTTCTCTCACTGGAGATTAGCTTTTCAAAAAGATGCAGC-3'

ClinVar aggregate classification (germline): Likely pathogenic (1 of 4 stars; one submission).

Conditions:
Fanconi anemia complementation group C (FANCC). Also called: FANCC-Related Fanconi Anemia; Fanconi anemia, group C; FANCONI PANCYTOPENIA, TYPE 3; FACC. Identifiers: Orphanet 84, MedGen C3468041, MONDO:0009213, OMIM 227645.

Submission:

Myriad Genetics, Inc.
Classification: Likely pathogenic for Fanconi anemia complementation group C. Last evaluated: 2022-01-24. Review status: criteria provided, single submitter. Criteria: Myriad Women's Health Autosomal Recessive and X-Linked Classification Criteria (2021). Collection method: clinical testing. Allele origin: unknown.
Comment: NM_000136.2(FANCC):c.822C>A(C274*) is expected to be pathogenic in the context of Fanconi anemia, FANCC-related. This variant is predicted to lead to an abnormal or absent protein product due to the creation of a premature termination codon in FANCC, a gene where loss-of-function variants are known to be pathogenic. Please note: this variant was assessed in the context of healthy population screening.